The following is an entry in ClinVar:

NM_001110556.2(FLNA):c.4154C>T (p.Thr1385Met)

Gene: FLNA (filamin A; minus strand). Cytogenetic location: Xq28.
Variant type: single nucleotide variant.
Coding change: c.4154C>T on transcript NM_001110556.2 (MANE Select); coding-DNA position 4154, C replaced by T.
Protein change: p.Thr1385Met; replaces threonine 1385 with methionine.
Molecular consequence: missense variant.
Genome position (GRCh38, 1-based): chrX:154,359,395, G>A on the plus strand (C>T on the coding strand, the complement: FLNA is on the minus strand). VCF-style: chrX-154359395-G-A. GRCh37 (hg19) VCF-style: chrX-153587763-G-A.
Other names: c.4154C>T, p.Thr1385Met (NM_001456.4); short protein forms T1385M.
Identifiers: ClinVar variation 963143 (VCV000963143.9), dbSNP rs1273044438, ClinGen allele CA415218983.

ClinVar aggregate classification (germline): Uncertain significance. Review status: criteria provided, multiple submitters, no conflicts (2 of 4 stars). 2 submissions from 2 submitters: Uncertain significance (2). Last evaluated 2023-08-20.

Conditions:
Oto-palato-digital syndrome, type II (OPD2). Also called: Otopalatodigital Syndrome, Type II; Otopalatodigital Syndrome Type 2 (FLNA-OPD2); FACIOPALATOOSSEOUS SYNDROME; OPD II SYNDROME. Identifiers: Orphanet 669, Orphanet 90652, MedGen C1844696, MONDO:0010571, OMIM 304120.
Heterotopia, periventricular, X-linked dominant (PVNH1). Also called: X-linked periventricular heterotopia; PERIVENTRICULAR NODULAR HETEROTOPIA 4; HETEROTOPIA, PERIVENTRICULAR, 1; PERIVENTRICULAR NODULAR HETEROTOPIA 1. Identifiers: Orphanet 2149, Orphanet 82004, MedGen C1848213, MONDO:0010233, OMIM 300049.
Frontometaphyseal dysplasia (FMD1). Identifiers: Orphanet 1826, MedGen C0265293, MONDO:0015942.
Melnick-Needles syndrome (MNS). Also called: Melnick-Needles Syndrome (FLNA-MNS); MELNICK-NEEDLES OSTEODYSPLASTY; OSTEODYSPLASTY OF MELNICK AND NEEDLES. Identifiers: Orphanet 2484, MedGen C0025237, MONDO:0010650, OMIM 309350.

Allele frequency attached by ClinVar (database versions not stated): gnomAD exomes below 0.00001; TOPMed 0.00002; gnomAD 0.00003.
gnomAD v4.1: 8 of 1,210,405 alleles (0.00066%); highest among the groups gnomAD compares: African/African-American, 0.0017%; no homozygotes.

Submissions (2):

Labcorp Genetics (formerly Invitae), Labcorp
Classification: Uncertain significance for Oto-palato-digital syndrome, type II; Heterotopia, periventricular, X-linked dominant; Frontometaphyseal dysplasia; Melnick-Needles syndrome. Last evaluated: 2023-08-20. Review status: criteria provided, single submitter. Criteria: Invitae Variant Classification Sherloc (09022015). Collection method: clinical testing. Allele origin: germline.
Comment: This sequence change replaces threonine, which is neutral and polar, with methionine, which is neutral and non-polar, at codon 1385 of the FLNA protein (p.Thr1385Met). In summary, the available evidence is currently insufficient to determine the role of this variant in disease. Therefore, it has been classified as a Variant of Uncertain Significance. Advanced modeling of protein sequence and biophysical properties (such as structural, functional, and spatial information, amino acid conservation, physicochemical variation, residue mobility, and thermodynamic stability) performed at Invitae indicates that this missense variant is not expected to disrupt FLNA protein function. ClinVar contains an entry for this variant (Variation ID: 963143). This variant has not been reported in the literature in individuals affected with FLNA-related conditions. This variant is not present in population databases (gnomAD no frequency).

Blueprint Genetics
Classification: Uncertain significance. Last evaluated: 2022-04-21. Review status: criteria provided, single submitter. Criteria: ACMG Guidelines, 2015. Collection method: clinical testing. Allele origin: germline.